The following is an entry in ClinVar:

NM_004068.4(AP2M1):c.757C>T (p.Arg253Ter)

Gene: AP2M1 (adaptor related protein complex 2 subunit mu 1; plus strand). Cytogenetic location: 3q27.1.
Variant type: single nucleotide variant.
Coding change: c.757C>T on transcript NM_004068.4 (MANE Select); coding-DNA position 757, C replaced by T.
Protein change: p.Arg253Ter; replaces arginine 253 with a stop codon.
Molecular consequence: nonsense.
Genome position (GRCh38, 1-based): chr3:184,181,745, C>T. VCF-style: chr3-184181745-C-T. GRCh37 (hg19) VCF-style: chr3-183899533-C-T.
Other names: c.751C>T, p.Arg251Ter (NM_001025205.2); c.832C>T, p.Arg278Ter (NM_001311198.2); short protein forms R251*, R253*, R278*.
Identifiers: ClinVar variation 4872719 (VCV004872719.2).

ClinVar aggregate classification (germline): Uncertain significance (1 of 4 stars; one submission).

Submission:

CeGaT Center for Human Genetics Tuebingen
Classification: Uncertain significance. Last evaluated: 2026-06-01. Review status: criteria provided, single submitter. Criteria: CeGaT Center For Human Genetics Tuebingen Variant Classification Criteria Version 2. Collection method: clinical testing. Allele origin: germline. Affected: yes. Observed: 1 variant allele.
Comment: AP2M1: PM2, PM6, PS4:Supporting